The following is an entry in ClinVar:

NM_001130823.3(DNMT1):c.1632C>A (p.Ile544=)

Gene: DNMT1 (DNA methyltransferase 1; minus strand). Cytogenetic location: 19p13.2.
Variant type: single nucleotide variant.
Coding change: c.1632C>A on transcript NM_001130823.3 (MANE Select); coding-DNA position 1632, C replaced by A.
Protein change: p.Ile544=; no amino-acid change (isoleucine 544 retained).
Molecular consequence: synonymous variant.
Genome position (GRCh38, 1-based): chr19:10,154,917, G>T on the plus strand (C>A on the coding strand, the complement: DNMT1 is on the minus strand). VCF-style: chr19-10154917-G-T. GRCh37 (hg19) VCF-style: chr19-10265593-G-T.
Other names: p.I544I:ATC>ATA; p.Ile544=; c.1584C>A, p.Ile528= (NM_001318730.2, NM_001379.4); c.1269C>A, p.Ile423= (NM_001318731.2); c.1632C>A (LRG_362t1).
Identifiers: ClinVar variation 137134 (VCV000137134.21), dbSNP rs2228613, ClinGen allele CA290661.

ClinVar aggregate classification (germline): Benign. Review status: criteria provided, multiple submitters, no conflicts (2 of 4 stars). 9 submissions from 9 submitters: Benign (6). 3 of the submissions do not count toward it. Last evaluated 2026-02-04.

Conditions:
Hereditary sensory neuropathy-deafness-dementia syndrome. Also called: Hereditary sensory neuropathy type IE; HSN IE; Hereditary Sensory and Autonomic Neuropathy Type 1E (HSAN1E); NEUROPATHY, HEREDITARY SENSORY, WITH HEARING LOSS AND DEMENTIA. Identifiers: Orphanet 456318, MedGen C3279885, MONDO:0013584, OMIM 614116.

Allele frequency attached by ClinVar (database versions not stated): 1000 Genomes Project 0.03974; 1000 Genomes Project 30x 0.04091; TOPMed 0.06346; gnomAD 0.06828 and 0.06881; gnomAD exomes 0.07084 and 0.08652; ExAC 0.07349; ESP Exome Variant Server 0.07458.
gnomAD v4.1: 136,157 of 1,614,142 alleles (8.4%); highest among the groups gnomAD compares: Non-Finnish European, 9.5%; 6,259 homozygotes.

Submissions (9):

Labcorp Genetics (formerly Invitae), Labcorp
Classification: Benign for Hereditary sensory neuropathy-deafness-dementia syndrome. Last evaluated: 2026-02-04. Review status: criteria provided, single submitter. Criteria: Invitae Variant Classification Sherloc (09022015). Collection method: clinical testing. Allele origin: germline.

Mayo Clinic Laboratories, Mayo Clinic
Classification: Benign. Last evaluated: 2021-01-11. Review status: criteria provided, single submitter. Criteria: ACMG Guidelines, 2015. Collection method: clinical testing. Allele origin: germline. Observed: 386 variant alleles.

Illumina Laboratory Services, Illumina
Classification: Benign for Hereditary sensory neuropathy-deafness-dementia syndrome. Last evaluated: 2018-01-13. Review status: criteria provided, single submitter. Criteria: ICSL Variant Classification Criteria 13 December 2019. Collection method: clinical testing. Allele origin: germline.
Comment: This variant was observed in the ICSL laboratory as part of a predisposition screen in an ostensibly healthy population. It had not been previously curated by ICSL or reported in the Human Gene Mutation Database (HGMD: prior to June 1st, 2018), and was therefore a candidate for classification through an automated scoring system. Utilizing variant allele frequency, disease prevalence and penetrance estimates, and inheritance mode, an automated score was calculated to assess if this variant is too frequent to cause the disease. Based on the score and internal cut-off values, a variant classified as benign is not then subjected to further curation. The score for this variant resulted in a classification of benign for this disease.

GeneDx
Classification: Benign. Last evaluated: 2014-03-07. Review status: criteria provided, single submitter. Criteria: GeneDx Variant Classification (06012015). Collection method: clinical testing. Allele origin: germline. Affected: yes.
Comment: This variant is considered likely benign or benign based on one or more of the following criteria: it is a conservative change, it occurs at a poorly conserved position in the protein, it is predicted to be benign by multiple in silico algorithms, and/or has population frequency not consistent with disease.

Breakthrough Genomics
Classification: Benign. Review status: criteria provided, single submitter. Criteria: ACMG Guidelines, 2015. Collection method: not provided. Allele origin: germline. Inheritance: Autosomal dominant inheritance. Affected: yes.

PreventionGenetics, part of Exact Sciences
Classification: Benign. Review status: criteria provided, single submitter. Criteria: ACMG Guidelines, 2015. Collection method: clinical testing. Allele origin: germline.

Clinical Genetics DNA and cytogenetics Diagnostics Lab, Erasmus MC, Erasmus Medical Center
Classification: Benign. Review status: no assertion criteria provided. Collection method: clinical testing. Allele origin: germline. Affected: yes. Study: VKGL Data-share Consensus. Not counted in ClinVar's aggregate classification.

Clinical Genetics, Academic Medical Center
Classification: Benign. Review status: no assertion criteria provided. Collection method: clinical testing. Allele origin: germline. Affected: yes. Study: VKGL Data-share Consensus. Not counted in ClinVar's aggregate classification.

Joint Genome Diagnostic Labs from Nijmegen and Maastricht, Radboudumc and MUMC+
Classification: Benign. Review status: no assertion criteria provided. Collection method: clinical testing. Allele origin: germline. Affected: yes. Study: VKGL Data-share Consensus. Not counted in ClinVar's aggregate classification.